The following is an entry in ClinVar:

ClinVar aggregate classification (germline): Pathogenic (1 of 4 stars; one submission).

Submission:

Labcorp Genetics (formerly Invitae), Labcorp
Classification: Pathogenic. Last evaluated: 2022-07-19. Review status: criteria provided, single submitter. Criteria: Invitae Variant Classification Sherloc (09022015). Collection method: clinical testing. Allele origin: germline.
Comment: This sequence change creates a premature translational stop signal (p.Tyr84Leufs*21) in the CYP4V2 gene. It is expected to result in an absent or disrupted protein product. Loss-of-function variants in CYP4V2 are known to be pathogenic (PMID: 15042513, 25118264). This variant is not present in population databases (gnomAD no frequency). For these reasons, this variant has been classified as Pathogenic. ClinVar contains an entry for this variant (Variation ID: 1356082). This variant has not been reported in the literature in individuals affected with CYP4V2-related conditions.

Literature cited by the submitters: PubMed 15042513; PubMed 25118264.

NM_207352.4(CYP4V2):c.250dup (p.Tyr84fs)

Gene: CYP4V2 (cytochrome P450 family 4 subfamily V member 2; plus strand). Cytogenetic location: 4q35.1.
Variant type: Duplication.
Coding change: c.250dup on transcript NM_207352.4 (MANE Select); coding-DNA position 250, one base duplicated (T; older notation c.250dupT).
Protein change: p.Tyr84fs; shifts the reading frame from tyrosine 84.
Molecular consequence: frameshift variant.
Genome position (GRCh38, 1-based): chr4:186,194,535, T duplicated. VCF-style (leftmost placement, unchanged base first): chr4-186194534-A-AT. GRCh37 (hg19) VCF-style: chr4-187115688-A-AT.
Other names: short protein forms Y84fs.
Identifiers: ClinVar variation 1356082 (VCV001356082.6), dbSNP rs2126582074, ClinGen allele CA2573138167.
Genomic context (GRCh38, chr4:186,194,534, plus strand): 5'-ATTTCAAATTTGATGTTTTTCCCCAGAATTTTTTCAGCAGATCATTGAGTACACAGAGGA[A>AT]TACCGCCACATGCCGCTGCTGAAGCTCTGGGTCGGGCCAGTGCCCATGGTGGCCCTTTAT-3'